The following is an entry in ClinVar:

ClinVar aggregate classification (germline): Likely benign (1 of 4 stars; one submission).

gnomAD v4.1: 3,199 of 1,614,012 alleles (0.2%); highest among the groups gnomAD compares: South Asian, 0.39%; 3 homozygotes.

Submission:

CeGaT Center for Human Genetics Tuebingen
Classification: Likely benign. Last evaluated: 2026-03-01. Review status: criteria provided, single submitter. Criteria: CeGaT Center For Human Genetics Tuebingen Variant Classification Criteria Version 2. Collection method: clinical testing. Allele origin: germline. Affected: yes. Observed: 4 variant alleles.
Comment: LRRTM1: BP4, BP7

NM_178839.5(LRRTM1):c.474C>T (p.His158=)

Genes: CTNNA2 (catenin alpha 2; plus strand), LRRTM1 (leucine rich repeat transmembrane neuronal 1; minus strand). Cytogenetic location: 2p12.
Variant type: single nucleotide variant.
Coding change: c.474C>T on transcript NM_178839.5 (MANE Select); coding-DNA position 474, C replaced by T.
Protein change: p.His158=; no amino-acid change (histidine 158 retained).
Molecular consequence: synonymous variant. On other transcripts: intron variant (5).
Genome position (GRCh38, 1-based): chr2:80,303,346, G>A on the plus strand (C>T on the coding strand, the complement: LRRTM1 is on the minus strand). VCF-style: chr2-80303346-G-A. GRCh37 (hg19) VCF-style: chr2-80530471-G-A.
Other names: c.1057-89865G>A (NM_001399737.1, NM_001282597.3, NM_004389.4 and 1 more transcripts); c.1159-89865G>A (NM_001282598.2).
Identifiers: ClinVar variation 3898252 (VCV003898252.7).